The following is an entry in ClinVar:

ClinVar aggregate classification (germline): Likely pathogenic (1 of 4 stars; one submission).

Conditions:
Klippel-Feil anomaly-myopathy-facial dysmorphism syndrome. Also called: Klippel-feil syndrome 4, autosomal recessive, with nemaline myopathy and facial dysmorphism; Klippel-Feil syndrome 4, autosomal recessive, with myopathy and facial dysmorphism. Identifiers: Orphanet 447974, MedGen C4225285, MONDO:0014689, OMIM 616549.

Submission:

Juno Genomics, Hangzhou Juno Genomics, Inc
Classification: Likely pathogenic for Klippel-Feil anomaly-myopathy-facial dysmorphism syndrome. Review status: criteria provided, single submitter. Criteria: ACMG Guidelines, 2015. Collection method: clinical testing. Allele origin: germline.
Comment: Null variant in a gene where loss of function (LOF) is a known mechanism of disease.;Absent from controls (or at extremely low frequency if recessive) in Genome Aggregation Database.

NM_032608.7(MYO18B):c.4668+1G>C

Genes: MYO18B (myosin XVIIIB; plus strand), MYO18B-AS1 (MYO18B antisense RNA 1; minus strand). Cytogenetic location: 22q12.1.
Variant type: single nucleotide variant.
Coding change: c.4668+1G>C on transcript NM_032608.7 (MANE Select); the canonical splice donor site of the intron after coding-DNA position 4668, G replaced by C.
Molecular consequence: splice donor variant.
Genome position (GRCh38, 1-based): chr22:25,895,281, G>C. VCF-style: chr22-25895281-G-C. GRCh37 (hg19) VCF-style: chr22-26291248-G-C.
Other names: c.4671+1G>C (NM_001318245.2).
Identifiers: ClinVar variation 5006474 (VCV005006474.2).